The following is an entry in ClinVar:

NM_000130.5(F5):c.1970A>G (p.Asn657Ser)

Gene: F5 (coagulation factor V; minus strand). Cytogenetic location: 1q24.2.
Variant type: single nucleotide variant.
Coding change: c.1970A>G on transcript NM_000130.5 (MANE Select); coding-DNA position 1970, A replaced by G.
Protein change: p.Asn657Ser; replaces asparagine 657 with serine.
Molecular consequence: missense variant.
Genome position (GRCh38, 1-based): chr1:169,544,301, T>C on the plus strand (A>G on the coding strand, the complement: F5 is on the minus strand). VCF-style: chr1-169544301-T-C. GRCh37 (hg19) VCF-style: chr1-169513539-T-C.
Other names: short protein forms N657S.
Identifiers: ClinVar variation 4753376 (VCV004753376.1).

ClinVar aggregate classification (germline): Uncertain significance (1 of 4 stars; one submission).

Conditions:
Congenital factor V deficiency. Also called: LABILE FACTOR DEFICIENCY; OWREN PARAHEMOPHILIA; PARAHEMOPHILIA; Hereditary factor V deficiency disease. Identifiers: Orphanet 326, MedGen C0015499, MONDO:0009210, OMIM 227400.

gnomAD v4.1: 9 of 1,613,726 alleles (0.00056%); highest among the groups gnomAD compares: Non-Finnish European, 0.00076%; no homozygotes.

Submission:

Labcorp Genetics (formerly Invitae), Labcorp
Classification: Uncertain significance for Congenital factor V deficiency. Last evaluated: 2025-09-25. Review status: criteria provided, single submitter. Criteria: Invitae Variant Classification Sherloc (09022015). Collection method: clinical testing. Allele origin: germline.
Comment: This sequence change replaces asparagine, which is neutral and polar, with serine, which is neutral and polar, at codon 657 of the F5 protein (p.Asn657Ser). This variant is present in population databases (no rsID available, gnomAD 0.0009%). This variant has not been reported in the literature in individuals affected with F5-related conditions. Invitae Evidence Modeling of protein sequence and biophysical properties (such as structural, functional, and spatial information, amino acid conservation, physicochemical variation, residue mobility, and thermodynamic stability) indicates that this missense variant is expected to disrupt F5 protein function with a positive predictive value of 80%. In summary, the available evidence is currently insufficient to determine the role of this variant in disease. Therefore, it has been classified as a Variant of Uncertain Significance.